The following is an entry in ClinVar:

ClinVar aggregate classification (germline): Likely benign (0 of 4 stars; one submission).

Conditions:
SLC25A32-related disorder. Also called: SLC25A32-related condition.

Allele frequency attached by ClinVar (database versions not stated): gnomAD 0.00001; TOPMed below 0.00001.
gnomAD v4.1: 3 of 1,613,690 alleles (0.00019%); highest among the groups gnomAD compares: Non-Finnish European, 0.00025%; no homozygotes.

Submission:

PreventionGenetics, part of Exact Sciences
Classification: Likely benign for SLC25A32-related condition. Last evaluated: 2019-09-17. Review status: no assertion criteria provided. Collection method: clinical testing. Allele origin: germline.
Comment: This variant is classified as likely benign based on ACMG/AMP sequence variant interpretation guidelines (Richards et al. 2015 PMID: 25741868, with internal and published modifications).

NM_030780.5(SLC25A32):c.129C>T (p.Leu43=)

Gene: SLC25A32 (solute carrier family 25 member 32; minus strand). Cytogenetic location: 8q22.3.
Variant type: single nucleotide variant.
Coding change: c.129C>T on transcript NM_030780.5 (MANE Select); coding-DNA position 129, C replaced by T.
Protein change: p.Leu43=; no amino-acid change (leucine 43 retained).
Molecular consequence: synonymous variant. On other transcripts: non-coding transcript variant (2).
Genome position (GRCh38, 1-based): chr8:103,414,809, G>A on the plus strand (C>T on the coding strand, the complement: SLC25A32 is on the minus strand). VCF-style: chr8-103414809-G-A. GRCh37 (hg19) VCF-style: chr8-104427037-G-A.
Identifiers: ClinVar variation 3040033 (VCV003040033.2), dbSNP rs1563721924, ClinGen allele CA462452322.